The following is an entry in ClinVar:

ClinVar aggregate classification (germline): Conflicting classifications of pathogenicity. Review status: criteria provided, conflicting classifications (1 of 4 stars). 2 submissions from 2 submitters: Uncertain significance (1); Likely benign (1). Last evaluated 2022-06-28.

Conditions:
Hereditary cancer-predisposing syndrome. Also called: Tumor predisposition; Hereditary Cancer Syndrome; Neoplastic Syndromes, Hereditary; Hereditary neoplastic syndrome. Identifiers: Orphanet 140162, MedGen C0027672, MeSH D009386, MONDO:0015356.
Microcephaly, normal intelligence and immunodeficiency (NBS). Also called: Nijmegen breakage syndrome; Microcephaly with normal intelligence immunodeficiency and lymphoreticular malignancies; Nonsyndromal microcephaly autosomal recessive with normal intelligence; Seemanova syndrome 2; BERLIN BREAKAGE SYNDROME; IMMUNODEFICIENCY, MICROCEPHALY, AND CHROMOSOMAL INSTABILITY. Identifiers: Orphanet 647, MedGen C0398791, MONDO:0009623, OMIM 251260.

Allele frequency attached by ClinVar (database versions not stated): gnomAD exomes below 0.00001 and 0.00001.
gnomAD v4.1: 4 of 1,613,510 alleles (0.00025%); highest among the groups gnomAD compares: Non-Finnish European, 0.00034%; no homozygotes.

Submissions (2):

Labcorp Genetics (formerly Invitae), Labcorp
Classification: Uncertain significance for Microcephaly, normal intelligence and immunodeficiency. Last evaluated: 2022-06-28. Review status: criteria provided, single submitter. Criteria: Invitae Variant Classification Sherloc (09022015). Collection method: clinical testing. Allele origin: germline.
Comment: This sequence change replaces isoleucine, which is neutral and non-polar, with threonine, which is neutral and polar, at codon 576 of the NBN protein (p.Ile576Thr). This variant is present in population databases (no rsID available, gnomAD 0.0009%). This variant has not been reported in the literature in individuals affected with NBN-related conditions. ClinVar contains an entry for this variant (Variation ID: 972662). Algorithms developed to predict the effect of missense changes on protein structure and function output the following: SIFT: "Tolerated"; PolyPhen-2: "Benign"; Align-GVGD: "Class C0". The threonine amino acid residue is found in multiple mammalian species, which suggests that this missense change does not adversely affect protein function. In summary, the available evidence is currently insufficient to determine the role of this variant in disease. Therefore, it has been classified as a Variant of Uncertain Significance.

Ambry Genetics
Classification: Likely benign for Hereditary cancer-predisposing syndrome. Last evaluated: 2021-08-13. Review status: criteria provided, single submitter. Criteria: Ambry Variant Classification Scheme 2023. Collection method: clinical testing. Allele origin: germline.

NM_002485.5(NBN):c.1727T>C (p.Ile576Thr)

Gene: NBN (nibrin; minus strand). Cytogenetic location: 8q21.3.
Variant type: single nucleotide variant.
Coding change: c.1727T>C on transcript NM_002485.5 (MANE Select); coding-DNA position 1727, T replaced by C.
Protein change: p.Ile576Thr; replaces isoleucine 576 with threonine.
Molecular consequence: missense variant.
Genome position (GRCh38, 1-based): chr8:89,953,362, A>G on the plus strand (T>C on the coding strand, the complement: NBN is on the minus strand). VCF-style: chr8-89953362-A-G. GRCh37 (hg19) VCF-style: chr8-90965590-A-G.
Other names: c.1481T>C, p.Ile494Thr (NM_001024688.3); short protein forms I494T, I576T.
Identifiers: ClinVar variation 972662 (VCV000972662.9), dbSNP rs1255733657, ClinGen allele CA371655228.